The following is an entry in ClinVar:

ClinVar aggregate classification (germline): Uncertain significance (1 of 4 stars; one submission).

Conditions:
Cardiovascular phenotype. Identifiers: MedGen CN230736.

gnomAD v4.1: 2 of 1,613,642 alleles (0.00012%); highest among the groups gnomAD compares: Admixed American, 0.0033%; no homozygotes.

Submission:

Ambry Genetics
Classification: Uncertain significance for Cardiovascular phenotype. Last evaluated: 2026-07-13. Review status: criteria provided, single submitter. Criteria: Ambry Variant Classification Scheme 2023. Collection method: clinical testing. Allele origin: germline.
Comment: The p.Y131F variant (also known as c.392A>T), located in coding exon 3 of the LCAT gene, results from an A to T substitution at nucleotide position 392. The tyrosine at codon 131 is replaced by phenylalanine, an amino acid with highly similar properties. This amino acid position is conserved. In addition, the in silico prediction for this alteration is inconclusive. Based on the available evidence, the clinical significance of this variant remains unclear.

NM_000229.2(LCAT):c.392A>T (p.Tyr131Phe)

Gene: LCAT (lecithin-cholesterol acyltransferase; minus strand). Cytogenetic location: 16q22.1.
Variant type: single nucleotide variant.
Coding change: c.392A>T on transcript NM_000229.2 (MANE Select); coding-DNA position 392, A replaced by T.
Protein change: p.Tyr131Phe; replaces tyrosine 131 with phenylalanine.
Molecular consequence: missense variant.
Genome position (GRCh38, 1-based): chr16:67,942,896, T>A on the plus strand (A>T on the coding strand, the complement: LCAT is on the minus strand). VCF-style: chr16-67942896-T-A. GRCh37 (hg19) VCF-style: chr16-67976799-T-A.
Other names: short protein forms Y131F.
Identifiers: ClinVar variation 5023510 (VCV005023510.1).
Genomic context (GRCh38, chr16:67,942,896, plus strand): 5'-CCCAGCCCTGCCCTCTGACACAAACCTGCCAGCTTGCTGCTGTCCAGGTACTCCACAGAG[T>A]AGGTCTTGCCAAAGCCAGGGACGCGGATCTGGACACCAGGGGCGTTGGACACGAGCCCAG-3'
Protein context (NP_000220.1, residues 121-141): QIRVPGFGKT[Tyr131Phe]SVEYLDSSKL